The following is an entry in ClinVar:

ClinVar aggregate classification (germline): Likely pathogenic. Review status: criteria provided, multiple submitters, no conflicts (2 of 4 stars). 2 submissions from 2 submitters: Likely pathogenic (2). Last evaluated 2021-05-13.

Conditions:
Muscular dystrophy-dystroglycanopathy (congenital with brain and eye anomalies), type A1 (MDDGA1). Also called: Muscular dystrophy-dystroglycanopathy (congenital with brain and eye anomalies), type A, 1; COD-MD SYNDROME; WALKER-WARBURG SYNDROME OR MUSCLE-EYE-BRAIN DISEASE, POMT1-RELATED; Hydrocephalus, agyria and retinal dysplasia; Hard +/- E syndrome; Warburg syndrome. Identifiers: Orphanet 588, Orphanet 899, MedGen C4284790, MONDO:0009364, OMIM 236670.
Muscular dystrophy-dystroglycanopathy (congenital with impaired intellectual development), type B, 1. Also called: Muscular dystrophy-dystroglycanopathy (congenital with intellectual disability), type B1; MUSCULAR DYSTROPHY, CONGENITAL, POMT1-RELATED. Identifiers: MedGen C5436962, MONDO:0013159, OMIM 613155.
Autosomal recessive limb-girdle muscular dystrophy type 2K. Also called: MUSCULAR DYSTROPHY-DYSTROGLYCANOPATHY (LIMB-GIRDLE), TYPE C, 1; MUSCULAR DYSTROPHY, LIMB-GIRDLE, TYPE 2K. Identifiers: Orphanet 86812, MedGen C1836373, MONDO:0012248, OMIM 609308.

Submissions (2):

Genetics and Prenatal Diagnosis Center, The First Affiliated Hospital of Zhengzhou University
Classification: Likely pathogenic for Muscular dystrophy-dystroglycanopathy (congenital with impaired intellectual development), type B, 1. Last evaluated: 2021-05-13. Review status: criteria provided, single submitter. Criteria: ACMG Guidelines, 2015. Collection method: clinical testing. Allele origin: germline. Affected: yes.

Juno Genomics, Hangzhou Juno Genomics, Inc
Classification: Likely pathogenic for Muscular dystrophy-dystroglycanopathy (congenital with impaired intellectual development), type B, 1; Muscular dystrophy-dystroglycanopathy (congenital with brain and eye anomalies), type A1; Autosomal recessive limb-girdle muscular dystrophy type 2K. Review status: criteria provided, single submitter. Criteria: ACMG Guidelines, 2015. Collection method: clinical testing. Allele origin: germline.
Comment: Absent from controls (or at extremely low frequency if recessive) in Genome Aggregation Database.;Protein length changes due to in-frame deletions/insertions in a non-repeat region or stop-loss variants.;For recessive disorders, detected in trans with a pathogenic variant.;Patient's phenotype or family history is highly specific for a disease with a single genetic etiology.;Co-segregation with disease in multiple affected family members.

NM_001077365.2(POMT1):c.2145_2156del (p.Lys715_Asp719delinsAsn)

Gene: POMT1 (protein O-mannosyltransferase 1; plus strand). Cytogenetic location: 9q34.13.
Variant type: Deletion.
Coding change: c.2145_2156del on transcript NM_001077365.2 (MANE Select); coding-DNA positions 2145 to 2156, 12 bases deleted (AGACAGCTGGGA).
Protein change: p.Lys715_Asp719delinsAsn.
Molecular consequence: inframe indel. On other transcripts: non-coding transcript variant (10).
Genome position (GRCh38, 1-based): chr9:131,523,073-131,523,084, AGACAGCTGGGA deleted; deleting any 12 consecutive bases within chr9:131,523,072-131,523,084 gives the same sequence; the c. name uses the placement nearest the transcript's 3' end. VCF-style (leftmost placement, unchanged base first): chr9-131523071-AAAGACAGCTGGG-A. GRCh37 (hg19) VCF-style: chr9-134398458-AAAGACAGCTGGG-A.
Other names: c.1983_1994del, p.Lys661_Asp665delinsAsn (NM_001077366.2, NM_001353194.2); c.2145_2156del, p.Lys715_Asp719delinsAsn (NM_001136113.2); c.1794_1805del, p.Lys598_Asp602delinsAsn (NM_001136114.2, NM_001353195.2, NM_001374691.1 and 2 more transcripts); c.2211_2222del, p.Lys737_Asp741delinsAsn (NM_001353193.2, NM_007171.4); c.2055_2066del, p.Lys685_Asp689delinsAsn (NM_001353196.2); c.2049_2060del, p.Lys683_Asp687delinsAsn (NM_001353197.2, NM_001353198.2); c.1860_1871del, p.Lys620_Asp624delinsAsn (NM_001353199.2); c.1689_1700del, p.Lys563_Asp567delinsAsn (NM_001353200.2); and 3 more.
Identifiers: ClinVar variation 1098278 (VCV001098278.3), dbSNP rs1564395473, ClinGen allele CA590755513.
Genomic context (GRCh38, chr9:131,523,071, plus strand): 5'-CGCCCACTCACCTACGGGGACAAGTCACTCTCGCCACATGAACTCAAGGCCCTTCGCTGG[AAAGACAGCTGGG>A]ACATCTTGATCCGAAAACACTAGAACAAGAGTGTGGCAAAGAACACCCGTGCTGGGGTCG-3'